The following is an entry in ClinVar:

NM_001844.5(COL2A1):c.3356del (p.Gly1119fs)

Gene: COL2A1 (collagen type II alpha 1 chain; minus strand). Cytogenetic location: 12q13.11.
Variant type: Deletion.
Coding change: c.3356del on transcript NM_001844.5 (MANE Select); coding-DNA position 3356, one base deleted (G; older notation c.3356delG).
Protein change: p.Gly1119fs; shifts the reading frame from glycine 1119.
Molecular consequence: frameshift variant.
Genome position (GRCh38, 1-based): chr12:47,976,891, C deleted on the plus strand (G on the coding strand, the reverse complement: COL2A1 is on the minus strand); the first of 2 consecutive C bases (chr12:47,976,891-47,976,892); deleting either gives the same sequence. VCF-style (leftmost placement, unchanged base first): chr12-47976890-TC-T. GRCh37 (hg19) VCF-style: chr12-48370673-TC-T.
Other names: c.3149del, p.Gly1050fs (NM_033150.3); short protein forms G1119fs, G1050fs.
Identifiers: ClinVar variation 523955 (VCV000523955.7), dbSNP rs1555165110, ClinGen allele CA658797879.

ClinVar aggregate classification (germline): Pathogenic. Review status: criteria provided, multiple submitters, no conflicts (2 of 4 stars). 3 submissions from 3 submitters: Pathogenic (3). Last evaluated 2022-04-05.

Conditions:
COL2A1-related disorder. Also called: COL2A1-related condition; COL2A1-related disorders.

Submissions (3):

Blueprint Genetics
Classification: Pathogenic for COL2A1-related disorders. Last evaluated: 2022-04-05. Review status: criteria provided, single submitter. Criteria: ACMG Guidelines, 2015. Collection method: clinical testing. Allele origin: germline. Affected: yes. Observed: 1 variant allele.

Labcorp Genetics (formerly Invitae), Labcorp
Classification: Pathogenic. Last evaluated: 2022-01-26. Review status: criteria provided, single submitter. Criteria: Invitae Variant Classification Sherloc (09022015). Collection method: clinical testing. Allele origin: germline.
Comment: This premature translational stop signal has been observed in individual(s) with Stickler syndrome (PMID: 27390512). This variant is not present in population databases (gnomAD no frequency). This sequence change creates a premature translational stop signal (p.Gly1119Glufs*11) in the COL2A1 gene. It is expected to result in an absent or disrupted protein product. Loss-of-function variants in COL2A1 are known to be pathogenic (PMID: 20179744). ClinVar contains an entry for this variant (Variation ID: 523955). For these reasons, this variant has been classified as Pathogenic.

GeneDx
Classification: Pathogenic. Last evaluated: 2018-03-20. Review status: criteria provided, single submitter. Criteria: GeneDx Variant Classification (06012015). Collection method: clinical testing. Allele origin: germline. Affected: yes.
Comment: This variant causes a shift in reading frame starting at codon glycine 1119, changing it to a glutamic acid, and creating a premature stop codon at position 11 of the new reading frame, denoted p.Gly1119GlufsX11. This pathogenic variant is expected to result in either an abnormal, truncated protein product or loss of protein from this allele through nonsense-mediated mRNA decay. Other frameshift variants in the COL2A1 gene have been reported in Human Gene Mutation Database in association with Stickler syndrome and other COL2A1-related disorders (Stenson et al., 2014), indicating that loss of function is a mechanism of disease for this gene. Furthermore, the c.3356delG variant is not observed in large population cohorts (Lek et al., 2016).

Literature cited by the submitters: PubMed 27390512 (cited by Labcorp Genetics (formerly Invitae), Labcorp); PubMed 20179744 (cited by Labcorp Genetics (formerly Invitae), Labcorp).